The following is an entry in ClinVar:

ClinVar aggregate classification (germline): Uncertain significance (1 of 4 stars; one submission).

Conditions:
PKHD1-related disorder. Also called: PKHD1-related condition.

Submission:

PreventionGenetics, part of Exact Sciences
Classification: Uncertain significance for PKHD1-related condition. Last evaluated: 2025-10-23. Review status: criteria provided, single submitter. Criteria: ACMG Guidelines, 2015. Collection method: clinical testing. Allele origin: germline.
Comment: The PKHD1 c.1836+4A>G variant is predicted to interfere with splicing. To our knowledge, this variant has not been reported in the literature or in a large population database (gnomAD), indicating this variant is rare. This variant is predicted to alter splicing based on available splicing prediction programs (Alamut Visual Plus v1.6.1; SpliceAI, Jaganathan et al. 2019. PubMed ID: 30661751). However, the use of computer prediction programs is not equivalent to functional evidence. At this time, the clinical significance of this variant is uncertain due to the absence of conclusive functional and genetic evidence.

NM_138694.4(PKHD1):c.1836+4A>G

Gene: PKHD1 (PKHD1 ciliary IPT domain containing fibrocystin/polyductin; minus strand). Cytogenetic location: 6p12.2.
Variant type: single nucleotide variant.
Coding change: c.1836+4A>G on transcript NM_138694.4 (MANE Select); 4 bases into the intron after coding-DNA position 1836, A replaced by G.
Molecular consequence: intron variant.
Genome position (GRCh38, 1-based): chr6:52,055,583, T>C on the plus strand (A>G on the coding strand, the complement: PKHD1 is on the minus strand). VCF-style: chr6-52055583-T-C. GRCh37 (hg19) VCF-style: chr6-51920381-T-C.
Other names: c.1836+4A>G (NM_170724.3).
Identifiers: ClinVar variation 5001811 (VCV005001811.1).
Genomic context (GRCh38, chr6:52,055,583, plus strand): 5'-TGAATCCAGAGAGCAATACCAATACCTACCCACCTGACCCAGAAGCACAAAGACTGCTAC[T>C]CACGTGTGTATACTGATCTAGCCGATAGCCCTTCTGGGCAGCCGGGGGAGTAAGGACAAG-3'